The following is an entry in ClinVar:

NM_002693.3(POLG):c.2901_2907del (p.Met967fs)

Gene: POLG (DNA polymerase gamma, catalytic subunit; minus strand). Cytogenetic location: 15q26.1.
Variant type: Deletion.
Coding change: c.2901_2907del on transcript NM_002693.3 (MANE Select); coding-DNA positions 2901 to 2907, 7 bases deleted (GCAGTTT; older notation c.2901_2907delGCAGTTT).
Protein change: p.Met967fs; shifts the reading frame from methionine 967.
Molecular consequence: frameshift variant.
Genome position (GRCh38, 1-based): chr15:89,320,840-89,320,846, AAACTGC deleted on the plus strand (GCAGTTT on the coding strand, the reverse complement: POLG is on the minus strand); deleting any 7 consecutive bases within chr15:89,320,840-89,320,847 gives the same sequence; the c. name uses the placement nearest the transcript's 3' end. VCF-style (leftmost placement, unchanged base first): chr15-89320839-TAAACTGC-T. GRCh37 (hg19) VCF-style: chr15-89864070-TAAACTGC-T.
Other names: c.2901_2907del, p.Met967fs (NM_001126131.2); short protein forms M967fs.
Identifiers: ClinVar variation 1707526 (VCV001707526.1), dbSNP rs2509216852, ClinGen allele CA2580090220.

ClinVar aggregate classification (germline): Pathogenic (1 of 4 stars; one submission).

Conditions:
Progressive sclerosing poliodystrophy (MTDPS4A). Also called: ALPERS PROGRESSIVE INFANTILE POLIODYSTROPHY; Alpers-Huttenlocher Syndrome (AHS); NEURONAL DEGENERATION OF CHILDHOOD WITH LIVER DISEASE, PROGRESSIVE; Mitochondrial DNA depletion syndrome 4A (Alpers type); Mitochondrial DNA Depletion Syndrome 4A; Alpers Syndrome. Identifiers: Orphanet 726, MedGen C0205710, MONDO:0008758, OMIM 203700.

Submission:

Institute of Human Genetics, University of Leipzig Medical Center
Classification: Pathogenic for Progressive sclerosing poliodystrophy. Last evaluated: 2022-08-31. Review status: criteria provided, single submitter. Criteria: ACMG Guidelines, 2015. Collection method: clinical testing. Allele origin: paternal. Affected: yes.
Comment: _x000D_This variant was identified as compound heterozygous with NM_002693.3:c.2243G>C. Criteria applied: PVS1, PM3, PM2_SUP, PP4